The following is an entry in ClinVar:

ClinVar aggregate classification (germline): Uncertain significance. Review status: criteria provided, multiple submitters, no conflicts (2 of 4 stars). 3 submissions from 3 submitters: Uncertain significance (3). Last evaluated 2024-05-27.

Conditions:
Hereditary cancer-predisposing syndrome. Also called: Hereditary Cancer Syndrome; Neoplastic Syndromes, Hereditary; Tumor predisposition; Hereditary neoplastic syndrome. Identifiers: Orphanet 140162, MedGen C0027672, MeSH D009386, MONDO:0015356.
Ataxia-telangiectasia syndrome (AT). Also called: Ataxia telangiectasia (A-T); Ataxia-telangiectasia, complementation group E; LOUIS-BAR SYNDROME; Cerebello-oculocutaneous telangiectasia; Immunodeficiency with ataxia telangiectasia; Ataxia-telangiectasia, complementation group D. Identifiers: Orphanet 100, MedGen C0004135, MONDO:0008840, OMIM 208900.
Familial cancer of breast. Also called: Hereditary breast cancer; hereditary breast carcinoma; BREAST CANCER, FAMILIAL. Identifiers: Orphanet 227535, MedGen C0346153, MONDO:0016419, OMIM 114480. Disease mechanism: loss of function.

Allele frequency attached by ClinVar (database versions not stated): gnomAD exomes 0.00001.
gnomAD v4.1: 18 of 1,608,160 alleles (0.0011%); highest among the groups gnomAD compares: East Asian, 0.0022%; no homozygotes.

Submissions (3):

Ambry Genetics
Classification: Uncertain significance for Hereditary cancer-predisposing syndrome. Last evaluated: 2024-05-27. Review status: criteria provided, single submitter. Criteria: Ambry Variant Classification Scheme 2023. Collection method: clinical testing. Allele origin: germline.
Comment: The p.P113L variant (also known as c.338C>T), located in coding exon 4 of the ATM gene, results from a C to T substitution at nucleotide position 338. The proline at codon 113 is replaced by leucine, an amino acid with similar properties. This alteration has been reported with a carrier frequency of 0.00014 in 7051 unselected breast cancer patients and 0 in 11241 female controls of Japanese ancestry (Momozawa Y et al. Nat Commun 2018 10;9(1):4083). This amino acid position is highly conserved in available vertebrate species. In addition, the in silico prediction for this alteration is inconclusive. Based on the available evidence, the clinical significance of this variant remains unclear.

Baylor Genetics
Classification: Uncertain significance for Familial cancer of breast. Last evaluated: 2023-12-26. Review status: criteria provided, single submitter. Criteria: ACMG Guidelines, 2015. Collection method: clinical testing. Allele origin: unknown.

Labcorp Genetics (formerly Invitae), Labcorp
Classification: Uncertain significance for Ataxia-telangiectasia syndrome. Last evaluated: 2022-08-19. Review status: criteria provided, single submitter. Criteria: Invitae Variant Classification Sherloc (09022015). Collection method: clinical testing. Allele origin: germline.
Comment: This sequence change replaces proline, which is neutral and non-polar, with leucine, which is neutral and non-polar, at codon 113 of the ATM protein (p.Pro113Leu). This variant is not present in population databases (gnomAD no frequency). This missense change has been observed in individual(s) with breast cancer (PMID: 30287823). ClinVar contains an entry for this variant (Variation ID: 229996). Advanced modeling of protein sequence and biophysical properties (such as structural, functional, and spatial information, amino acid conservation, physicochemical variation, residue mobility, and thermodynamic stability) performed at Invitae indicates that this missense variant is not expected to disrupt ATM protein function. In summary, the available evidence is currently insufficient to determine the role of this variant in disease. Therefore, it has been classified as a Variant of Uncertain Significance.

Literature cited by the submitters: PubMed 28779002 (cited by Ambry Genetics); PubMed 30287823 (cited by Ambry Genetics and Labcorp Genetics (formerly Invitae), Labcorp); PubMed 33471991 (cited by Ambry Genetics).

NM_000051.4(ATM):c.338C>T (p.Pro113Leu)

Gene: ATM (ATM serine/threonine kinase; plus strand). Cytogenetic location: 11q22.3.
Variant type: single nucleotide variant.
Coding change: c.338C>T on transcript NM_000051.4 (MANE Select); coding-DNA position 338, C replaced by T.
Protein change: p.Pro113Leu; replaces proline 113 with leucine.
Molecular consequence: missense variant.
Genome position (GRCh38, 1-based): chr11:108,235,676, C>T. VCF-style: chr11-108235676-C-T. GRCh37 (hg19) VCF-style: chr11-108106403-C-T.
Other names: c.338C>T, p.Pro113Leu (NM_001351834.2); short protein forms P113L.
Identifiers: ClinVar variation 229996 (VCV000229996.9), dbSNP rs876658324, ClinGen allele CA10578954.